The following is an entry in ClinVar:

ClinVar aggregate classification (germline): Uncertain significance (1 of 4 stars; one submission).

Conditions:
Autosomal recessive limb-girdle muscular dystrophy type 2P. Also called: MUSCULAR DYSTROPHY-DYSTROGLYCANOPATHY, LIMB-GIRDLE, DAG1-RELATED; Limb-Girdle Muscular Dystrophy Type 9C; MUSCULAR DYSTROPHY, LIMB-GIRDLE, TYPE 2P. Identifiers: Orphanet 280333, MedGen C4511963, MONDO:0013440, OMIM 613818.
Muscular dystrophy-dystroglycanopathy (congenital with brain and eye anomalies), type A9. Also called: WALKER-WARBURG SYNDROME OR MUSCLE-EYE BRAIN DISEASE, DAG1-RELATED; Muscular dystrophy-dystroglycanopathy (congenital with brain and eye anomalies), type a, 9. Identifiers: Orphanet 370997, Orphanet 899, MedGen C4225291, MONDO:0014683, OMIM 616538.

Allele frequency attached by ClinVar (database versions not stated): TOPMed 0.00001.
gnomAD v4.1: 5 of 1,614,198 alleles (0.00031%); highest among the groups gnomAD compares: Admixed American, 0.005%; no homozygotes.

Submission:

Labcorp Genetics (formerly Invitae), Labcorp
Classification: Uncertain significance for Autosomal recessive limb-girdle muscular dystrophy type 2P; Muscular dystrophy-dystroglycanopathy (congenital with brain and eye anomalies), type A9. Last evaluated: 2024-07-29. Review status: criteria provided, single submitter. Criteria: Invitae Variant Classification Sherloc (09022015). Collection method: clinical testing. Allele origin: germline.
Comment: This sequence change replaces glycine, which is neutral and non-polar, with aspartic acid, which is acidic and polar, at codon 511 of the DAG1 protein (p.Gly511Asp). This variant is not present in population databases (gnomAD no frequency). This variant has not been reported in the literature in individuals affected with DAG1-related conditions. ClinVar contains an entry for this variant (Variation ID: 1413889). Advanced modeling of protein sequence and biophysical properties (such as structural, functional, and spatial information, amino acid conservation, physicochemical variation, residue mobility, and thermodynamic stability) performed at Invitae indicates that this missense variant is expected to disrupt DAG1 protein function with a positive predictive value of 80%. In summary, the available evidence is currently insufficient to determine the role of this variant in disease. Therefore, it has been classified as a Variant of Uncertain Significance.

NM_004393.6(DAG1):c.1532G>A (p.Gly511Asp)

Gene: DAG1 (dystroglycan 1; plus strand). Cytogenetic location: 3p21.31.
Variant type: single nucleotide variant.
Coding change: c.1532G>A on transcript NM_004393.6 (MANE Select); coding-DNA position 1532, G replaced by A.
Protein change: p.Gly511Asp; replaces glycine 511 with aspartic acid.
Molecular consequence: missense variant.
Genome position (GRCh38, 1-based): chr3:49,532,043, G>A. VCF-style: chr3-49532043-G-A. GRCh37 (hg19) VCF-style: chr3-49569476-G-A.
Other names: c.1532G>A, p.Gly511Asp (NM_001177635.3, NM_001177636.3, NM_001177637.3 and 9 more transcripts); short protein forms G511D.
Identifiers: ClinVar variation 1413889 (VCV001413889.8), dbSNP rs775568320, ClinGen allele CA2399098.